The following is an entry in ClinVar:

ClinVar aggregate classification (germline): Benign/Likely benign. Review status: criteria provided, multiple submitters, no conflicts (2 of 4 stars). 5 submissions from 5 submitters: Benign (3); Likely benign (2). Last evaluated 2026-05-01.

Allele frequency attached by ClinVar (database versions not stated): 1000 Genomes Project 0.00359; 1000 Genomes Project 30x 0.00375; TOPMed 0.00654; ESP Exome Variant Server 0.00750; gnomAD exomes 0.00802 and 0.00979; ExAC 0.00854.
gnomAD v4.1: 15,225 of 1,613,976 alleles (0.94%); highest among the groups gnomAD compares: Non-Finnish European, 1.1%; 96 homozygotes.

Submissions (5):

CeGaT Center for Human Genetics Tuebingen
Classification: Benign. Last evaluated: 2026-05-01. Review status: criteria provided, single submitter. Criteria: CeGaT Center For Human Genetics Tuebingen Variant Classification Criteria Version 2. Collection method: clinical testing. Allele origin: germline. Affected: yes. Observed: 6 variant alleles.
Comment: ZCCHC8: BP4, BS1, BS2

Labcorp Genetics (formerly Invitae), Labcorp
Classification: Benign. Last evaluated: 2026-02-03. Review status: criteria provided, single submitter. Criteria: Invitae Variant Classification Sherloc (09022015). Collection method: clinical testing. Allele origin: germline.

Mayo Clinic Laboratories, Mayo Clinic
Classification: Likely benign. Last evaluated: 2025-01-08. Review status: criteria provided, single submitter. Criteria: ACMG Guidelines, 2015. Collection method: clinical testing. Allele origin: germline. Observed: 5 variant alleles.
Comment: BS2, BP4

Blueprint Genetics
Classification: Likely benign. Last evaluated: 2024-11-27. Review status: criteria provided, single submitter. Criteria: ACMG Guidelines, 2015. Collection method: clinical testing. Allele origin: germline.

Breakthrough Genomics
Classification: Benign. Review status: criteria provided, single submitter. Criteria: ACMG Guidelines, 2015. Collection method: not provided. Allele origin: germline. Inheritance: Autosomal dominant inheritance. Affected: yes.

Literature cited by the submitters: PubMed 28073787 (cited by Mayo Clinic Laboratories, Mayo Clinic).

NM_017612.5(ZCCHC8):c.1987A>G (p.Met663Val)

Gene: ZCCHC8 (zinc finger CCHC-type containing 8; minus strand). Cytogenetic location: 12q24.31.
Variant type: single nucleotide variant.
Coding change: c.1987A>G on transcript NM_017612.5 (MANE Select); coding-DNA position 1987, A replaced by G.
Protein change: p.Met663Val; replaces methionine 663 with valine.
Molecular consequence: missense variant.
Genome position (GRCh38, 1-based): chr12:122,473,634, T>C on the plus strand (A>G on the coding strand, the complement: ZCCHC8 is on the minus strand). VCF-style: chr12-122473634-T-C. GRCh37 (hg19) VCF-style: chr12-122958181-T-C.
Other names: p.Met663Val; c.1756A>G, p.Met586Val (NM_001350935.2); c.1690A>G, p.Met564Val (NM_001350936.2); c.1273A>G, p.Met425Val (NM_001350937.2, NM_001350938.2); short protein forms M425V, M586V, M663V, M564V.
Identifiers: ClinVar variation 782302 (VCV000782302.37), dbSNP rs139379402, ClinGen allele CA6846059.